The following is an entry in ClinVar:

NM_001378414.1(HDAC4):c.2636G>A (p.Ser879Asn)

Gene: HDAC4 (histone deacetylase 4; minus strand). Cytogenetic location: 2q37.3.
Variant type: single nucleotide variant.
Coding change: c.2636G>A on transcript NM_001378414.1 (MANE Select); coding-DNA position 2636, G replaced by A.
Protein change: p.Ser879Asn; replaces serine 879 with asparagine.
Molecular consequence: missense variant.
Genome position (GRCh38, 1-based): chr2:239,082,118, C>T on the plus strand (G>A on the coding strand, the complement: HDAC4 is on the minus strand). VCF-style: chr2-239082118-C-T. GRCh37 (hg19) VCF-style: chr2-240003814-C-T.
Other names: c.2636G>A, p.Ser879Asn (NM_001378415.1); c.2621G>A, p.Ser874Asn (NM_001378416.1, NM_001378417.1, NM_006037.4); c.2555G>A, p.Ser852Asn (NM_001435991.1, NM_001435992.1); c.2477G>A, p.Ser826Asn (NM_001435993.1); short protein forms S826N, S852N, S874N, S879N.
Identifiers: ClinVar variation 4082852 (VCV004082852.1).
Genomic context (GRCh38, chr2:239,082,118, plus strand): 5'-GCAGTCCCCCTTTCCCCCCAGAGGCCCTTATATACCCCACCTACCTCATCAGGAGCCCCG[C>T]TGCCTGGGAAGAAGTTCCCATCGTCGTAGCGGTGGAGGGACATGTACAGGACGCTGGGGT-3'
Protein context (NP_001365343.1, residues 869-889): RYDDGNFFPG[Ser879Asn]GAPDEVGTGP

ClinVar aggregate classification (germline): Uncertain significance (1 of 4 stars; one submission).

Submission:

GeneDx
Classification: Uncertain significance. Last evaluated: 2025-03-04. Review status: criteria provided, single submitter. Criteria: GeneDx Variant Classification Process June 2021. Collection method: clinical testing. Allele origin: germline. Affected: yes.
Comment: Not observed at significant frequency in large population cohorts (gnomAD); In silico analysis indicates that this missense variant does not alter protein structure/function; Has not been previously published as pathogenic or benign to our knowledge